The following is an entry in ClinVar:

ClinVar aggregate classification (germline): Uncertain significance (1 of 4 stars; one submission).

gnomAD v4.1: 3 of 1,614,098 alleles (0.00019%); highest among the groups gnomAD compares: South Asian, 0.0022%; no homozygotes.

Submission:

GeneDx
Classification: Uncertain significance. Last evaluated: 2024-03-13. Review status: criteria provided, single submitter. Criteria: GeneDx Variant Classification Process June 2021. Collection method: clinical testing. Allele origin: germline. Affected: yes.
Comment: In silico analysis supports that this missense variant does not alter protein structure/function; Has not been previously published as pathogenic or benign to our knowledge

NM_018834.6(MATR3):c.694G>A (p.Asp232Asn)

Gene: MATR3 (matrin 3; plus strand). Cytogenetic location: 5q31.2.
Variant type: single nucleotide variant.
Coding change: c.694G>A on transcript NM_018834.6 (MANE Select); coding-DNA position 694, G replaced by A.
Protein change: p.Asp232Asn; replaces aspartic acid 232 with asparagine.
Molecular consequence: missense variant. On other transcripts: intron variant (11).
Genome position (GRCh38, 1-based): chr5:139,308,109, G>A. VCF-style: chr5-139308109-G-A. GRCh37 (hg19) VCF-style: chr5-138643798-G-A.
Other names: c.-102-6566G>A (NM_001400463.1, NM_001400460.1, NM_001282278.2 and 3 more transcripts); c.-40-7588G>A (NM_001400462.1, NM_001400467.1); c.13-6566G>A (NM_001400461.1); c.49-6566G>A (NM_001194956.2); c.694G>A, p.Asp232Asn (NM_001194954.2, NM_001194955.2, NM_001400441.1 and 16 more transcripts); c.52-6566G>A (NM_001400459.1); short protein forms D232N.
Identifiers: ClinVar variation 3370781 (VCV003370781.1).